The following is an entry in ClinVar:

NM_006393.3(NEBL):c.517T>C (p.Tyr173His)

Gene: NEBL (nebulette; minus strand). Cytogenetic location: 10p12.31.
Variant type: single nucleotide variant.
Coding change: c.517T>C on transcript NM_006393.3 (MANE Select); coding-DNA position 517, T replaced by C.
Protein change: p.Tyr173His; replaces tyrosine 173 with histidine.
Molecular consequence: missense variant. On other transcripts: intron variant (9).
Genome position (GRCh38, 1-based): chr10:20,869,805, A>G on the plus strand (T>C on the coding strand, the complement: NEBL is on the minus strand). VCF-style: chr10-20869805-A-G. GRCh37 (hg19) VCF-style: chr10-21158734-A-G.
Other names: c.250-56865T>C (NM_001377326.1, NM_001377327.1, NM_001377328.1); c.358-56865T>C (NM_213569.2, NM_001173484.2, NM_001377322.1); c.301-56865T>C (NM_001377324.1); c.292-56865T>C (NM_001377325.1); c.310-56865T>C (NM_001377323.1); short protein forms Y173H.
Identifiers: ClinVar variation 4826138 (VCV004826138.1).

ClinVar aggregate classification (germline): Uncertain significance (1 of 4 stars; one submission).

gnomAD v4.1: 1 of 1,613,512 alleles (0.000062%); highest among the groups gnomAD compares: South Asian, 0.0011%; no homozygotes.

Submission:

Ambry Genetics
Classification: Uncertain significance. Last evaluated: 2026-03-07. Review status: criteria provided, single submitter. Criteria: Ambry Variant Classification Scheme 2023. Collection method: clinical testing. Allele origin: germline.
Comment: The p.Y173H variant (also known as c.517T>C), located in coding exon 6 of the NEBL gene, results from a T to C substitution at nucleotide position 517. The tyrosine at codon 173 is replaced by histidine, an amino acid with similar properties. This amino acid position is conserved. In addition, the in silico prediction for this alteration is inconclusive. Based on the available evidence, the clinical significance of this variant remains unclear.